The following is an entry in ClinVar:

ClinVar aggregate classification (germline): Uncertain significance (1 of 4 stars; one submission).

Submission:

Geisinger Autism and Developmental Medicine Institute, Geisinger Health System
Classification: Uncertain significance. Last evaluated: 2017-05-17. Review status: criteria provided, single submitter. Criteria: ACMG CNV Guidelines, 2011. Collection method: provider interpretation. Allele origin: paternal.

Single allele

Genes: EOLA2 (endothelium and lymphocyte associated ASCH domain 2; minus strand), HSFX1 (heat shock transcription factor family, X-linked 1; plus strand), MAGEA11 (MAGE family member A11; plus strand), MAGEA8 (MAGE family member A8; plus strand), MAGEA9 (MAGE family member A9; plus strand) and 1 more. Cytogenetic location: Xq28.
Variant type: Duplication.
Identifiers: ClinVar variation 560083 (VCV000560083.3).